The following is an entry in ClinVar:

ClinVar aggregate classification (germline): Uncertain significance (1 of 4 stars; one submission).

gnomAD v4.1: 3 of 1,608,516 alleles (0.00019%); highest among the groups gnomAD compares: African/African-American, 0.0027%; no homozygotes.

Submission:

Labcorp Genetics (formerly Invitae), Labcorp
Classification: Uncertain significance. Last evaluated: 2025-01-19. Review status: criteria provided, single submitter. Criteria: Invitae Variant Classification Sherloc (09022015). Collection method: clinical testing. Allele origin: germline.
Comment: This sequence change falls in intron 13 of the TNNT3 gene. It does not directly change the encoded amino acid sequence of the TNNT3 protein. It affects a nucleotide within the consensus splice site. This variant is not present in population databases (gnomAD no frequency). This variant has not been reported in the literature in individuals affected with TNNT3-related conditions. Variants that disrupt the consensus splice site are a relatively common cause of aberrant splicing (PMID: 17576681, 9536098). Algorithms developed to predict the effect of sequence changes on RNA splicing suggest that this variant is not likely to affect RNA splicing. In summary, the available evidence is currently insufficient to determine the role of this variant in disease. Therefore, it has been classified as a Variant of Uncertain Significance.

Literature cited by the submitters: PubMed 17576681; PubMed 9536098.

NM_006757.4(TNNT3):c.590+3G>A

Gene: TNNT3 (troponin T3, fast skeletal type; plus strand). Cytogenetic location: 11p15.5.
Variant type: single nucleotide variant.
Coding change: c.590+3G>A on transcript NM_006757.4 (MANE Select); 3 bases into the intron after coding-DNA position 590, G replaced by A.
Molecular consequence: intron variant.
Genome position (GRCh38, 1-based): chr11:1,934,658, G>A. VCF-style: chr11-1934658-G-A. GRCh37 (hg19) VCF-style: chr11-1955888-G-A.
Other names: c.566+3G>A (NM_001297646.2, NM_001042780.3, NM_001042782.3 and 2 more transcripts); c.623+3G>A (NM_001367846.1); c.599+3G>A (NM_001363561.2, NM_001367847.1); c.584+3G>A (NM_001042781.3, NM_001367843.1, NM_001367842.1); c.587+3G>A (NM_001367848.1); c.533+3G>A (NM_001367850.1); c.386+3G>A (NM_001367851.1, NM_001367852.1); c.578+3G>A (NM_001367849.1).
Identifiers: ClinVar variation 3728887 (VCV003728887.2).